The following is an entry in ClinVar:

ClinVar aggregate classification (germline): Uncertain significance (1 of 4 stars; one submission).

Conditions:
Osteogenesis imperfecta type I (OI1). Also called: Osteogenesis imperfecta type 1; Lobstein's Disease; Classic Non-deforming Osteogenesis Imperfecta with Blue Sclerae; OI, TYPE I; OSTEOGENESIS IMPERFECTA TARDA; OSTEOGENESIS IMPERFECTA WITH BLUE SCLERAE. Identifiers: Orphanet 216796, Orphanet 666, MedGen C0023931, MONDO:0008146, OMIM 166200. Disease mechanism: loss of function.

Allele frequency attached by ClinVar (database versions not stated): gnomAD exomes below 0.00001.
gnomAD v4.1: 3 of 1,613,938 alleles (0.00019%); highest among the groups gnomAD compares: Non-Finnish European, 0.000085%; no homozygotes.

Submission:

Labcorp Genetics (formerly Invitae), Labcorp
Classification: Uncertain significance for Osteogenesis imperfecta type I. Last evaluated: 2023-09-30. Review status: criteria provided, single submitter. Criteria: Invitae Variant Classification Sherloc (09022015). Collection method: clinical testing. Allele origin: germline.
Comment: This sequence change replaces serine, which is neutral and polar, with threonine, which is neutral and polar, at codon 1393 of the COL1A1 protein (p.Ser1393Thr). This variant is not present in population databases (gnomAD no frequency). This variant has not been reported in the literature in individuals affected with COL1A1-related conditions. Advanced modeling of protein sequence and biophysical properties (such as structural, functional, and spatial information, amino acid conservation, physicochemical variation, residue mobility, and thermodynamic stability) performed at Invitae indicates that this missense variant is not expected to disrupt COL1A1 protein function. In summary, the available evidence is currently insufficient to determine the role of this variant in disease. Therefore, it has been classified as a Variant of Uncertain Significance.

NM_000088.4(COL1A1):c.4177T>A (p.Ser1393Thr)

Gene: COL1A1 (collagen type I alpha 1 chain; minus strand). Cytogenetic location: 17q21.33.
Variant type: single nucleotide variant.
Coding change: c.4177T>A on transcript NM_000088.4 (MANE Select); coding-DNA position 4177, T replaced by A.
Protein change: p.Ser1393Thr; replaces serine 1393 with threonine.
Molecular consequence: missense variant.
Genome position (GRCh38, 1-based): chr17:50,185,849, A>T on the plus strand (T>A on the coding strand, the complement: COL1A1 is on the minus strand). VCF-style: chr17-50185849-A-T. GRCh37 (hg19) VCF-style: chr17-48263210-A-T.
Other names: short protein forms S1393T.
Identifiers: ClinVar variation 2907210 (VCV002907210.3), dbSNP rs1598284115, ClinGen allele CA400191746.